The following is an entry in ClinVar:

NM_182961.4(SYNE1):c.22693T>C (p.Trp7565Arg)

Gene: SYNE1 (spectrin repeat containing nuclear envelope protein 1; minus strand). Cytogenetic location: 6q25.2.
Variant type: single nucleotide variant.
Coding change: c.22693T>C on transcript NM_182961.4 (MANE Select); coding-DNA position 22693, T replaced by C.
Protein change: p.Trp7565Arg; replaces tryptophan 7565 with arginine.
Molecular consequence: missense variant.
Genome position (GRCh38, 1-based): chr6:152,208,103, A>G on the plus strand (T>C on the coding strand, the complement: SYNE1 is on the minus strand). VCF-style: chr6-152208103-A-G. GRCh37 (hg19) VCF-style: chr6-152529238-A-G.
Other names: c.22480T>C, p.Trp7494Arg (NM_033071.5); short protein forms W7565R, W7494R.
Identifiers: ClinVar variation 1474880 (VCV001474880.8), dbSNP rs1166773141, ClinGen allele CA366096229.

ClinVar aggregate classification (germline): Uncertain significance (1 of 4 stars; one submission).

Conditions:
Autosomal recessive ataxia, Beauce type. Also called: SYNE1-Related Autosomal Recessive Cerebellar Ataxia; Spinocerebellar ataxia, autosomal recessive 8; ATAXIA, RECESSIVE, OF BEAUCE; SYNE1 Deficiency. Identifiers: Orphanet 88644, MedGen C1853116, MONDO:0012549, OMIM 610743.
Emery-Dreifuss muscular dystrophy 4, autosomal dominant (EDMD4). Also called: EMERY-DREIFUSS MUSCULAR DYSTROPHY 4 WITH VARIABLE FEATURES. Identifiers: Orphanet 261, MedGen C2751807, MONDO:0013071, OMIM 612998.

Allele frequency attached by ClinVar (database versions not stated): gnomAD exomes 0.00001.
gnomAD v4.1: 4 of 1,614,082 alleles (0.00025%); highest among the groups gnomAD compares: Middle Eastern, 0.017%; no homozygotes.

Submission:

Labcorp Genetics (formerly Invitae), Labcorp
Classification: Uncertain significance for Emery-Dreifuss muscular dystrophy 4, autosomal dominant; Autosomal recessive ataxia, Beauce type. Last evaluated: 2021-06-17. Review status: criteria provided, single submitter. Criteria: Invitae Variant Classification Sherloc (09022015). Collection method: clinical testing. Allele origin: germline.
Comment: This sequence change replaces tryptophan with arginine at codon 7494 of the SYNE1 protein (p.Trp7494Arg). The tryptophan residue is highly conserved and there is a moderate physicochemical difference between tryptophan and arginine. In summary, the available evidence is currently insufficient to determine the role of this variant in disease. Therefore, it has been classified as a Variant of Uncertain Significance. Algorithms developed to predict the effect of missense changes on protein structure and function (SIFT, PolyPhen-2, Align-GVGD) all suggest that this variant is likely to be disruptive, but these predictions have not been confirmed by published functional studies and their clinical significance is uncertain. This variant has not been reported in the literature in individuals with SYNE1-related conditions. This variant is not present in population databases (ExAC no frequency).